The following is an entry in ClinVar:

ClinVar aggregate classification (germline): Uncertain significance (1 of 4 stars; one submission).

Allele frequency attached by ClinVar (database versions not stated): ExAC 0.00001; TOPMed 0.00001; gnomAD exomes 0.00002; gnomAD 0.00003; 1000 Genomes Project 30x 0.00016; 1000 Genomes Project 0.00020.
gnomAD v4.1: 37 of 1,614,008 alleles (0.0023%); highest among the groups gnomAD compares: East Asian, 0.078%; 1 homozygote.

Submission:

Labcorp Genetics (formerly Invitae), Labcorp
Classification: Uncertain significance. Last evaluated: 2024-10-16. Review status: criteria provided, single submitter. Criteria: Invitae Variant Classification Sherloc (09022015). Collection method: clinical testing. Allele origin: germline.
Comment: This sequence change replaces serine, which is neutral and polar, with glycine, which is neutral and non-polar, at codon 236 of the EPB41 protein (p.Ser236Gly). This variant is present in population databases (rs74931541, gnomAD 0.006%). This variant has not been reported in the literature in individuals affected with EPB41-related conditions. Invitae Evidence Modeling of protein sequence and biophysical properties (such as structural, functional, and spatial information, amino acid conservation, physicochemical variation, residue mobility, and thermodynamic stability) indicates that this missense variant is expected to disrupt EPB41 protein function with a positive predictive value of 80%. In summary, the available evidence is currently insufficient to determine the role of this variant in disease. Therefore, it has been classified as a Variant of Uncertain Significance.

NM_001376013.1(EPB41):c.1333A>G (p.Ser445Gly)

Gene: EPB41 (erythrocyte membrane protein band 4.1; plus strand). Cytogenetic location: 1p35.3.
Variant type: single nucleotide variant.
Coding change: c.1333A>G on transcript NM_001376013.1 (MANE Select); coding-DNA position 1333, A replaced by G.
Protein change: p.Ser445Gly; replaces serine 445 with glycine.
Molecular consequence: missense variant.
Genome position (GRCh38, 1-based): chr1:29,033,213, A>G. VCF-style: chr1-29033213-A-G. GRCh37 (hg19) VCF-style: chr1-29359725-A-G.
Other names: c.1333A>G, p.Ser445Gly (NM_001166005.2, NM_001166006.2, NM_001376014.1 and 7 more transcripts); c.706A>G, p.Ser236Gly (NM_001166007.2, NM_001376022.1, NM_001376023.1 and 7 more transcripts); c.1228A>G, p.Ser410Gly (NM_203343.3); short protein forms S236G, S410G, S445G.
Identifiers: ClinVar variation 2973575 (VCV002973575.3), dbSNP rs74931541, ClinGen allele CA724485.